The following is an entry in ClinVar:

NM_000492.4(CFTR):c.1210-8T>C

Genes: CFTR (CF transmembrane conductance regulator; plus strand), CFTR-AS1 (CFTR antisense RNA 1; minus strand). Cytogenetic location: 7q31.2.
Variant type: single nucleotide variant.
Coding change: c.1210-8T>C on transcript NM_000492.4 (MANE Select); 8 bases into the intron before coding-DNA position 1210, T replaced by C.
Molecular consequence: intron variant.
Genome position (GRCh38, 1-based): chr7:117,548,633, T>C. VCF-style: chr7-117548633-T-C. GRCh37 (hg19) VCF-style: chr7-117188687-T-C.
Identifiers: ClinVar variation 3048757 (VCV003048757.2), dbSNP rs2485045782, ClinGen allele CA2740097515.

ClinVar aggregate classification (germline): Likely benign (0 of 4 stars; one submission).

Conditions:
CFTR-related disorder (CFTR-RD). Also called: CFTR-related condition; CFTR-related disorders. Identifiers: MedGen C5924204, MONDO:7770004.

Submission:

PreventionGenetics, part of Exact Sciences
Classification: Likely benign for CFTR-related condition. Last evaluated: 2022-08-30. Review status: no assertion criteria provided. Collection method: clinical testing. Allele origin: germline.
Comment: This variant is classified as likely benign based on ACMG/AMP sequence variant interpretation guidelines (Richards et al. 2015 PMID: 25741868, with internal and published modifications).